The following is an entry in ClinVar:

ClinVar aggregate classification (germline): Pathogenic (1 of 4 stars; one submission).

Conditions:
PDE8B-Related Disorders.

gnomAD v4.1: 1 of 1,614,126 alleles (0.000062%); highest among the groups gnomAD compares: Non-Finnish European, 0.000085%; no homozygotes.

Submission:

Women's Health and Genetics/Laboratory Corporation of America, LabCorp
Classification: Pathogenic for PDE8B-Related Disorders. Last evaluated: 2024-03-26. Review status: criteria provided, single submitter. Criteria: LabCorp Variant Classification Summary - May 2015. Collection method: clinical testing. Allele origin: germline.
Comment: Variant summary: PDE8B c.895G>T (p.Glu299X) results in a premature termination codon, predicted to cause absence of the protein due to nonsense mediated decay, which is a commonly known mechanism for disease. The variant was absent in 251194 control chromosomes (gnomAD). To our knowledge, no occurrence of c.895G>T in individuals affected with PDE8B-Related Disorders and no experimental evidence demonstrating its impact on protein function have been reported. No submitters have cited clinical-significance assessments for this variant to ClinVar. Based on the evidence outlined above, the variant was classified as pathogenic.

NM_003719.5(PDE8B):c.895G>T (p.Glu299Ter)

Gene: PDE8B (phosphodiesterase 8B; plus strand). Cytogenetic location: 5q13.3.
Variant type: single nucleotide variant.
Coding change: c.895G>T on transcript NM_003719.5 (MANE Select); coding-DNA position 895, G replaced by T.
Protein change: p.Glu299Ter; replaces glutamic acid 299 with a stop codon.
Molecular consequence: nonsense. On other transcripts: intron variant (9).
Genome position (GRCh38, 1-based): chr5:77,349,437, G>T. VCF-style: chr5-77349437-G-T. GRCh37 (hg19) VCF-style: chr5-76645262-G-T.
Other names: c.895G>T, p.Glu299Ter (NM_001029852.4, NM_001376063.1, NM_001376064.1); c.835G>T, p.Glu279Ter (NM_001029853.4); c.892G>T, p.Glu298Ter (NM_001349748.3, NM_001349751.3); c.958G>T, p.Glu320Ter (NM_001349749.3); c.655G>T, p.Glu219Ter (NM_001349750.3); c.589G>T, p.Glu197Ter (NM_001349752.3); c.523G>T, p.Glu175Ter (NM_001349753.2, NM_001376067.1, NM_001376068.1 and 2 more transcripts); c.592G>T, p.Glu198Ter (NM_001376062.1, NM_001376072.1); and 10 more; short protein forms E175*, E178*, E197*, E198*, E219*, E279*, E298*, E299*.
Identifiers: ClinVar variation 3233764 (VCV003233764.3), dbSNP rs1389677367, ClinGen allele CA360179276.